The following is an entry in ClinVar:

ClinVar aggregate classification (germline): Uncertain significance. Review status: criteria provided, multiple submitters, no conflicts (2 of 4 stars). 2 submissions from 2 submitters: Uncertain significance (2). Last evaluated 2022-12-15.

Conditions:
Severe combined immunodeficiency due to IKK2 deficiency. Also called: Immunodeficiency 15; IMMUNODEFICIENCY 15B. Identifiers: Orphanet 397787, MedGen C4747743, MONDO:0014267, OMIM 615592.
IKBKB-related disorder. Also called: IKBKB-related condition.

Submissions (2):

PreventionGenetics, part of Exact Sciences
Classification: Uncertain significance for IKBKB-related condition. Last evaluated: 2022-12-15. Review status: criteria provided, single submitter. Criteria: ACMG Guidelines, 2015. Collection method: clinical testing. Allele origin: germline.
Comment: The IKBKB c.1819G>C variant is predicted to result in the amino acid substitution p.Val607Leu. To our knowledge, this variant has not been reported in the literature or in a large population database, indicating this variant is rare. At this time, the clinical significance of this variant is uncertain due to the absence of conclusive functional and genetic evidence.

Mayo Clinic Laboratories, Mayo Clinic
Classification: Uncertain significance for Severe combined immunodeficiency due to IKK2 deficiency. Last evaluated: 2017-02-10. Review status: criteria provided, single submitter. Criteria: ACMG Guidelines, 2015. Collection method: clinical testing. Allele origin: paternal.

NM_001556.3(IKBKB):c.1819G>C (p.Val607Leu)

Gene: IKBKB (inhibitor of nuclear factor kappa B kinase subunit beta; plus strand). Cytogenetic location: 8p11.21.
Variant type: single nucleotide variant.
Coding change: c.1819G>C on transcript NM_001556.3 (MANE Select); coding-DNA position 1819, G replaced by C.
Protein change: p.Val607Leu; replaces valine 607 with leucine.
Molecular consequence: missense variant. On other transcripts: non-coding transcript variant (3).
Genome position (GRCh38, 1-based): chr8:42,322,134, G>C. VCF-style: chr8-42322134-G-C. GRCh37 (hg19) VCF-style: chr8-42179652-G-C.
Other names: c.1627G>C, p.Val543Leu (NM_001190720.3); c.1642G>C, p.Val548Leu (NM_001242778.2); short protein forms V607L, V548L, V543L.
Identifiers: ClinVar variation 547913 (VCV000547913.6), dbSNP rs764627236, ClinGen allele CA371092524.